The following is an entry in ClinVar:

ClinVar aggregate classification (germline): Uncertain significance (1 of 4 stars; one submission).

Conditions:
Familial cold autoinflammatory syndrome 3 (FCAS3). Also called: FAMILIAL ATYPICAL COLD URTICARIA; ANTIBODY DEFICIENCY AND IMMUNE DYSREGULATION, PLCG2-ASSOCIATED. Identifiers: Orphanet 300359, MedGen C3280914, MONDO:0013766, OMIM 614468.

Allele frequency attached by ClinVar (database versions not stated): gnomAD exomes below 0.00001.
gnomAD v4.1: 2 of 1,612,284 alleles (0.00012%); highest among the groups gnomAD compares: Non-Finnish European, 0.00017%; no homozygotes.

Submission:

Labcorp Genetics (formerly Invitae), Labcorp
Classification: Uncertain significance for Familial cold autoinflammatory syndrome 3. Last evaluated: 2022-10-17. Review status: criteria provided, single submitter. Criteria: Invitae Variant Classification Sherloc (09022015). Collection method: clinical testing. Allele origin: germline.
Comment: In summary, the available evidence is currently insufficient to determine the role of this variant in disease. Therefore, it has been classified as a Variant of Uncertain Significance. This sequence change replaces aspartic acid, which is acidic and polar, with glutamic acid, which is acidic and polar, at codon 810 of the PLCG2 protein (p.Asp810Glu). This variant is present in population databases (no rsID available, gnomAD 0.0009%). This variant has not been reported in the literature in individuals affected with PLCG2-related conditions. Algorithms developed to predict the effect of missense changes on protein structure and function are either unavailable or do not agree on the potential impact of this missense change (SIFT: "Tolerated"; PolyPhen-2: "Probably Damaging"; Align-GVGD: "Class C0").

NM_002661.5(PLCG2):c.2430C>G (p.Asp810Glu)

Gene: PLCG2 (phospholipase C gamma 2; plus strand). Cytogenetic location: 16q23.3.
Variant type: single nucleotide variant.
Coding change: c.2430C>G on transcript NM_002661.5 (MANE Select); coding-DNA position 2430, C replaced by G.
Protein change: p.Asp810Glu; replaces aspartic acid 810 with glutamic acid.
Molecular consequence: missense variant.
Genome position (GRCh38, 1-based): chr16:81,927,094, C>G. VCF-style: chr16-81927094-C-G. GRCh37 (hg19) VCF-style: chr16-81960699-C-G.
Other names: short protein forms D810E.
Identifiers: ClinVar variation 1720677 (VCV001720677.5), dbSNP rs1200986657, ClinGen allele CA396902661.